The following is an entry in ClinVar:

ClinVar aggregate classification (germline): Uncertain significance (1 of 4 stars; one submission).

Submission:

GeneDx
Classification: Uncertain significance. Last evaluated: 2025-05-19. Review status: criteria provided, single submitter. Criteria: GeneDx Variant Classification Process June 2021. Collection method: clinical testing. Allele origin: germline. Affected: yes.
Comment: Not observed at significant frequency in large population cohorts (gnomAD); In silico analysis supports that this missense variant has a deleterious effect on protein structure/function; Has not been previously published as pathogenic or benign to our knowledge

NM_004667.6(HERC2):c.11678T>G (p.Leu3893Trp)

Gene: HERC2 (HECT and RLD domain containing E3 ubiquitin protein ligase 2; minus strand). Cytogenetic location: 15q13.1.
Variant type: single nucleotide variant.
Coding change: c.11678T>G on transcript NM_004667.6 (MANE Select); coding-DNA position 11678, T replaced by G.
Protein change: p.Leu3893Trp; replaces leucine 3893 with tryptophan.
Molecular consequence: missense variant.
Genome position (GRCh38, 1-based): chr15:28,142,260, A>C on the plus strand (T>G on the coding strand, the complement: HERC2 is on the minus strand). VCF-style: chr15-28142260-A-C. GRCh37 (hg19) VCF-style: chr15-28387406-A-C.
Other names: short protein forms L3893W.
Identifiers: ClinVar variation 4530941 (VCV004530941.1).